The following is an entry in ClinVar:

NM_001267550.2(TTN):c.100315T>C (p.Trp33439Arg)

Genes: TTN (titin; minus strand), TTN-AS1 (TTN antisense RNA 1; plus strand), LOC126806420 (BRD4-independent group 4 enhancer GRCh37_chr2:179401104-179402303; plus strand). Cytogenetic location: 2q31.2.
Variant type: single nucleotide variant.
Coding change: c.100315T>C on transcript NM_001267550.2 (MANE Select); coding-DNA position 100315, T replaced by C.
Protein change: p.Trp33439Arg; replaces tryptophan 33439 with arginine.
Molecular consequence: missense variant.
Genome position (GRCh38, 1-based): chr2:178,536,432, A>G on the plus strand (T>C on the coding strand, the complement: TTN is on the minus strand). VCF-style: chr2-178536432-A-G. GRCh37 (hg19) VCF-style: chr2-179401159-A-G.
Other names: p.W31798R:TGG>CGG; c.95392T>C, p.Trp31798Arg (NM_001256850.1); c.73120T>C, p.Trp24374Arg (NM_003319.4); c.92611T>C, p.Trp30871Arg (NM_133378.4); c.73495T>C, p.Trp24499Arg (NM_133432.3); c.73696T>C, p.Trp24566Arg (NM_133437.4); short protein forms W33439R, W30871R, W31798R, W24499R, W24374R, W24566R.
Identifiers: ClinVar variation 130687 (VCV000130687.11), dbSNP rs545443009, ClinGen allele CA289110.
Genomic context (GRCh38, chr2:178,536,432, plus strand): 5'-CAATAAGGTTTTTCACTGAAAAGACAGTTTCTCGAATTTCTTCTGTTGTCACAGAAATCC[A>G]TTTATTCTGCTTCTTCTCACGCTTCTCAAGGTAGTAATTTCTAATCTTTGCACCTCCATC-3'
Protein context (NP_001254479.2, residues 33429-33449): LEKREKKQNK[Trp33439Arg]ISVTTEEIRE

ClinVar aggregate classification (germline): Conflicting classifications of pathogenicity. Review status: criteria provided, conflicting classifications (1 of 4 stars). 8 submissions from 4 submitters: Uncertain significance (6); Benign (2). Last evaluated 2024-12-16.

Conditions:
Myopathy, myofibrillar, 9, with early respiratory failure (MFM9). Also called: MYOPATHY, PROXIMAL, WITH EARLY RESPIRATORY MUSCLE INVOLVEMENT; EDSTROM MYOPATHY; Hereditary myopathy with early respiratory failure; Myopathy, distal, with early respiratory failure, autosomal dominant. Identifiers: Orphanet 178464, Orphanet 34521, MedGen C1863599, MONDO:0011362, OMIM 603689.
Tibial muscular dystrophy (TMD). Also called: UDD MYOPATHY; Tibial muscular dystrophy, tardive; Udd Distal Myopathy – Tibial Muscular Dystrophy. Identifiers: Orphanet 609, MedGen C1838244, MONDO:0010870, OMIM 600334.
Autosomal recessive limb-girdle muscular dystrophy type 2J (LGMDR10). Also called: Limb-girdle muscular dystrophy, type 2J; MUSCULAR DYSTROPHY, LIMB-GIRDLE, AUTOSOMAL RECESSIVE 10. Identifiers: Orphanet 140922, MedGen C1837342, MONDO:0012127, OMIM 608807.
Early-onset myopathy with fatal cardiomyopathy (CMYO5). Also called: Salih Myopathy; CONGENITAL MYOPATHY 5 WITH CARDIOMYOPATHY. Identifiers: Orphanet 289377, MedGen C2673677, MONDO:0012714, OMIM 611705. Disease mechanism: loss of function.
Dilated cardiomyopathy 1G (CMD1G). Identifiers: Orphanet 154, MedGen C1858763, MONDO:0011400, OMIM 604145.

Allele frequency attached by ClinVar (database versions not stated): gnomAD exomes 0.00002 and 0.00006; TOPMed below 0.00001; ExAC 0.00008; 1000 Genomes Project 0.00020; gnomAD 0.00001; 1000 Genomes Project 30x 0.00016.
gnomAD v4.1: 31 of 1,613,044 alleles (0.0019%); highest among the groups gnomAD compares: South Asian, 0.031%; no homozygotes.

Submissions (8):

Revvity Omics, Revvity
Classification: Uncertain significance. Last evaluated: 2024-12-16. Review status: criteria provided, single submitter. Criteria: ACMG Guidelines, 2015. Collection method: clinical testing. Allele origin: germline.

Illumina Laboratory Services, Illumina
Classification: Benign for Myopathy, myofibrillar, 9, with early respiratory failure. Last evaluated: 2018-01-13. Review status: criteria provided, single submitter. Criteria: ICSL Variant Classification Criteria 13 December 2019. Collection method: clinical testing. Allele origin: germline.
Comment: This variant was observed in the ICSL laboratory as part of a predisposition screen in an ostensibly healthy population. It had not been previously curated by ICSL or reported in the Human Gene Mutation Database (HGMD: prior to June 1st, 2018), and was therefore a candidate for classification through an automated scoring system. Utilizing variant allele frequency, disease prevalence and penetrance estimates, and inheritance mode, an automated score was calculated to assess if this variant is too frequent to cause the disease. Based on the score and internal cut-off values, a variant classified as benign is not then subjected to further curation. The score for this variant resulted in a classification of benign for this disease.

Illumina Laboratory Services, Illumina
Classification: Uncertain significance for Dilated cardiomyopathy 1G. Last evaluated: 2018-01-13. Review status: criteria provided, single submitter. Criteria: ICSL Variant Classification Criteria 13 December 2019. Collection method: clinical testing. Allele origin: germline.

Illumina Laboratory Services, Illumina
Classification: Benign for Tibial muscular dystrophy. Last evaluated: 2018-01-13. Review status: criteria provided, single submitter. Criteria: ICSL Variant Classification Criteria 13 December 2019. Collection method: clinical testing. Allele origin: germline.
Comment: the same text as in the submission from Illumina Laboratory Services, Illumina above.

Illumina Laboratory Services, Illumina
Classification: Uncertain significance for Early-onset myopathy with fatal cardiomyopathy. Last evaluated: 2018-01-13. Review status: criteria provided, single submitter. Criteria: ICSL Variant Classification Criteria 13 December 2019. Collection method: clinical testing. Allele origin: germline.

Illumina Laboratory Services, Illumina
Classification: Uncertain significance for Autosomal recessive limb-girdle muscular dystrophy type 2J. Last evaluated: 2018-01-13. Review status: criteria provided, single submitter. Criteria: ICSL Variant Classification Criteria 13 December 2019. Collection method: clinical testing. Allele origin: germline.

GeneDx
Classification: Uncertain significance. Last evaluated: 2017-05-02. Review status: criteria provided, single submitter. Criteria: GeneDx Variant Classification (06012015). Collection method: clinical testing. Allele origin: germline. Affected: yes.
Comment: Missense variants in the TTN gene are considered 'unclassified' if they are not previously reported in the literature and do not have >1% frequency in the population to be considered a polymorphism. Research indicates that truncating variants in the TTN gene are expected to account for approximately 25% of familial and 18% of sporadic idiopathic DCM; however, truncating variants in the TTN gene have been reported in approximately 3% of reported control alleles. There has been little investigation into non-truncating variants. (Herman D et al. Truncations of titin causing dilated cardiomyopathy. N Eng J Med 366:619-628, 2012) Therefore, based on the currently available information, it is unclear whether this variant is a pathogenic variant or a rare benign variant.

Genetic Services Laboratory, University of Chicago
Classification: Uncertain significance. Last evaluated: 2014-01-02. Review status: criteria provided, single submitter. Criteria: ACMG Guidelines, 2007. Collection method: clinical testing. Allele origin: germline.